The following is an entry in ClinVar:

ClinVar aggregate classification (germline): Conflicting classifications of pathogenicity. Review status: no assertion criteria provided (0 of 4 stars). 2 submissions from 2 submitters: Uncertain significance (1); Likely benign (1). Last evaluated 2017-08-22.

Conditions:
Primary ciliary dyskinesia 3. Identifiers: Orphanet 244, MedGen C1837618, MONDO:0012085, OMIM 608644.

Allele frequency attached by ClinVar (database versions not stated): gnomAD 0.00057; TOPMed 0.00068.
gnomAD v4.1: 562 of 852,954 alleles (0.066%); highest among the groups gnomAD compares: Non-Finnish European, 0.086%; 1 homozygote.

Submissions (2):

Counsyl
Classification: Likely benign for Primary ciliary dyskinesia 3. Last evaluated: 2017-08-22. Review status: no assertion criteria provided. Collection method: clinical testing. Allele origin: unknown.

Laboratory of Cell Biology, Institute of Biomedical Sciences Abel Salazar University of Porto
Classification: Uncertain significance for Ciliary dyskinesia, primary, 3. Review status: no assertion criteria provided. Collection method: research. Allele origin: germline. Inheritance: Autosomal recessive inheritance. Affected: yes. Study: Mutation analysis on patients with total sperm immotility.
Comment: Primary Ciliary Dyskinesia

NM_001369.3(DNAH5):c.11570+124G>C

Gene: DNAH5 (dynein axonemal heavy chain 5; minus strand). Cytogenetic location: 5p15.2.
Variant type: single nucleotide variant.
Coding change: c.11570+124G>C on transcript NM_001369.3 (MANE Select); 124 bases into the intron after coding-DNA position 11570, G replaced by C.
Molecular consequence: intron variant.
Genome position (GRCh38, 1-based): chr5:13,735,694, C>G on the plus strand (G>C on the coding strand, the complement: DNAH5 is on the minus strand). VCF-style: chr5-13735694-C-G. GRCh37 (hg19) VCF-style: chr5-13735803-C-G.
Identifiers: ClinVar variation 140605 (VCV000140605.3), dbSNP rs543104462, ClinGen allele CA269992.